The following is an entry in ClinVar:

NM_001267550.2(TTN):c.20503G>A (p.Ala6835Thr)

Gene: TTN (titin; minus strand). Cytogenetic location: 2q31.2.
Variant type: single nucleotide variant.
Coding change: c.20503G>A on transcript NM_001267550.2 (MANE Select); coding-DNA position 20503, G replaced by A.
Protein change: p.Ala6835Thr; replaces alanine 6835 with threonine.
Molecular consequence: missense variant. On other transcripts: intron variant (3).
Genome position (GRCh38, 1-based): chr2:178,725,819, C>T on the plus strand (G>A on the coding strand, the complement: TTN is on the minus strand). VCF-style: chr2-178725819-C-T. GRCh37 (hg19) VCF-style: chr2-179590546-C-T.
Other names: c.19552G>A, p.Ala6518Thr (NM_001256850.1); c.16771G>A, p.Ala5591Thr (NM_133378.4); c.13282+12263G>A (NM_003319.4); c.13858+12263G>A (NM_133437.4); c.13657+12263G>A (NM_133432.3); short protein forms A5591T, A6518T, A6835T.
Identifiers: ClinVar variation 4874704 (VCV004874704.2).

ClinVar aggregate classification (germline): Uncertain significance (1 of 4 stars; one submission).

Submission:

CeGaT Center for Human Genetics Tuebingen
Classification: Uncertain significance. Last evaluated: 2026-04-01. Review status: criteria provided, single submitter. Criteria: CeGaT Center For Human Genetics Tuebingen Variant Classification Criteria Version 2. Collection method: clinical testing. Allele origin: germline. Affected: yes. Observed: 1 variant allele.
Comment: TTN: PM2